The following is an entry in ClinVar:

ClinVar aggregate classification (germline): Pathogenic (1 of 4 stars; one submission).

Conditions:
Inborn genetic diseases. Identifiers: MedGen C0950123, MeSH D030342.

Submission:

Ambry Genetics
Classification: Pathogenic for Inborn genetic diseases. Last evaluated: 2025-11-24. Review status: criteria provided, single submitter. Criteria: Ambry Variant Classification Scheme 2023. Collection method: clinical testing. Allele origin: germline.
Comment: The c.1293delA pathogenic mutation, located in coding exon 5 of the MBD4 gene, results from a deletion of one nucleotide at nucleotide position 1293, causing a translational frameshift with a predicted alternate stop codon (p.K431Nfs*54). This variant was reported in individual(s) with features consistent with MBD4-associated neoplasia syndrome (MANS) (Ambry internal data). This alteration is expected to result in loss of function by premature protein truncation or nonsense-mediated mRNA decay. As such, this alteration is interpreted as a disease-causing mutation.

NM_001276270.2(MBD4):c.1293del (p.Lys431fs)

Gene: MBD4 (methyl-CpG binding domain 4, DNA glycosylase; minus strand). Cytogenetic location: 3q21.3.
Variant type: Deletion.
Coding change: c.1293del on transcript NM_001276270.2 (MANE Select); coding-DNA position 1293, one base deleted (A; older notation c.1293delA).
Protein change: p.Lys431fs; shifts the reading frame from lysine 431.
Molecular consequence: frameshift variant.
Genome position (GRCh38, 1-based): chr3:129,433,950, T deleted on the plus strand (A on the coding strand, the reverse complement: MBD4 is on the minus strand); the first of 3 consecutive T bases (chr3:129,433,950-129,433,952); deleting any one gives the same sequence. VCF-style (leftmost placement, unchanged base first): chr3-129433949-AT-A. GRCh37 (hg19) VCF-style: chr3-129152792-AT-A.
Other names: c.1293delA (NM_001276270.2); c.1311del, p.Lys437fs (NM_001276271.2, NM_001276272.2, NM_003925.3); c.357del, p.Lys119fs (NM_001276273.2); short protein forms K431fs, K437fs, K119fs.
Identifiers: ClinVar variation 4624371 (VCV004624371.1).